The following is an entry in ClinVar:

ClinVar aggregate classification (germline): Uncertain significance (1 of 4 stars; one submission).

Submission:

Ambry Genetics
Classification: Uncertain significance. Last evaluated: 2024-02-05. Review status: criteria provided, single submitter. Criteria: Ambry Variant Classification Scheme 2023. Collection method: clinical testing. Allele origin: germline.
Comment: The p.S1684Y variant (also known as c.5051C>A), located in coding exon 4 of the ALPK2 gene, results from a C to A substitution at nucleotide position 5051. The serine at codon 1684 is replaced by tyrosine, an amino acid with dissimilar properties. This amino acid position is conserved. In addition, this alteration is predicted to be tolerated by in silico analysis. Based on the available evidence, the clinical significance of this alteration remains unclear.

NM_052947.4(ALPK2):c.5051C>A (p.Ser1684Tyr)

Genes: ALPK2 (alpha kinase 2; minus strand), LOC130062577 (ATAC-STARR-seq lymphoblastoid active region 13389; plus strand). Cytogenetic location: 18q21.31.
Variant type: single nucleotide variant.
Coding change: c.5051C>A on transcript NM_052947.4 (MANE Select); coding-DNA position 5051, C replaced by A.
Protein change: p.Ser1684Tyr; replaces serine 1684 with tyrosine.
Molecular consequence: missense variant.
Genome position (GRCh38, 1-based): chr18:58,535,136, G>T on the plus strand (C>A on the coding strand, the complement: ALPK2 is on the minus strand). VCF-style: chr18-58535136-G-T. GRCh37 (hg19) VCF-style: chr18-56202368-G-T.
Other names: short protein forms S1684Y.
Identifiers: ClinVar variation 3228782 (VCV003228782.1), dbSNP rs2518873578, ClinGen allele CA402558571.